The following is an entry in ClinVar:

ClinVar aggregate classification (germline): Pathogenic (1 of 4 stars; one submission).

Submission:

Labcorp Genetics (formerly Invitae), Labcorp
Classification: Pathogenic. Last evaluated: 2025-10-27. Review status: criteria provided, single submitter. Criteria: Invitae Variant Classification Sherloc (09022015). Collection method: clinical testing. Allele origin: germline.
Comment: This sequence change creates a premature translational stop signal (p.Val132Tyrfs*11) in the SMARCB1 gene. It is expected to result in an absent or disrupted protein product. Loss-of-function variants in SMARCB1 are known to be pathogenic (PMID: 10521299, 21208904). This variant is not present in population databases (gnomAD no frequency). This variant has not been reported in the literature in individuals affected with SMARCB1-related conditions. For these reasons, this variant has been classified as Pathogenic.

Literature cited by the submitters: PubMed 10521299; PubMed 21208904.

NM_003073.5(SMARCB1):c.394del (p.Val132fs)

Gene: SMARCB1 (SWI/SNF related BAF chromatin remodeling complex subunit B1; plus strand). Cytogenetic location: 22q11.23.
Variant type: Deletion.
Coding change: c.394del on transcript NM_003073.5 (MANE Select); coding-DNA position 394, one base deleted (G; older notation c.394delG).
Protein change: p.Val132fs; shifts the reading frame from valine 132.
Molecular consequence: frameshift variant.
Genome position (GRCh38, 1-based): chr22:23,800,975, G deleted; the last of 3 consecutive G bases (chr22:23,800,973-23,800,975); deleting any one gives the same sequence. VCF-style (leftmost placement, unchanged base first): chr22-23800972-TG-T. GRCh37 (hg19) VCF-style: chr22-24143159-TG-T.
Other names: c.367del, p.Val123fs (NM_001007468.3, NM_001317946.2); c.394del, p.Val132fs (NM_001362877.2); short protein forms V123fs, V132fs.
Identifiers: ClinVar variation 4729998 (VCV004729998.1).
Genomic context (GRCh38, chr22:23,800,972, plus strand): 5'-TGACTGGGAGGACTTTTCTTGTATCTCCTCAGGGAACAGAAGGCCAAGAGGAACAGCCAG[TG>T]GGTACCCACCCTGCCCAACAGCTCCCACCACTTAGATGCCGTGCCATGCTCCACAACCAT-3'